The following is an entry in ClinVar:

NC_000006.11:g.(?_109765394)_(110053910_?)del

Genes: AK9 (adenylate kinase 9; minus strand), FIG4 (FIG4 phosphoinositide 5-phosphatase; plus strand), MICAL1 (microtubule associated monooxygenase, calponin and LIM domain containing 1; minus strand), ZBTB24 (zinc finger and BTB domain containing 24; minus strand). Cytogenetic location: 6q21.
Variant type: Deletion.
Identifiers: ClinVar variation 3246049 (VCV003246049.1).

ClinVar aggregate classification (germline): Pathogenic (1 of 4 stars; one submission).

Conditions:
Charcot-Marie-Tooth disease type 4. Also called: Charcot-Marie-Tooth, Type 4; Charcot-Marie-Tooth disease, type IV. Identifiers: Orphanet 64749, MedGen C4082197, MONDO:0018995.

Submission:

Labcorp Genetics (formerly Invitae), Labcorp
Classification: Pathogenic for Charcot-Marie-Tooth disease type 4. Last evaluated: 2023-03-22. Review status: criteria provided, single submitter. Criteria: Invitae Variant Classification Sherloc (09022015). Collection method: clinical testing. Allele origin: unknown.
Comment: For these reasons, this variant has been classified as Pathogenic. This variant has not been reported in the literature in individuals affected with FIG4-related conditions. This variant is a gross deletion of the genomic region encompassing exon(s) 1-5 of the FIG4 gene, which includes the initiator codon. This deletion extends beyond the assayed region for this gene and therefore may encompass additional genes. It is expected to result in an absent or disrupted protein product. Loss-of-function variants in FIG4 are known to be pathogenic (PMID: 23623387, 30740813).

Literature cited by the submitters: PubMed 23623387; PubMed 30740813.